The following is an entry in ClinVar:

ClinVar aggregate classification (germline): Uncertain significance (1 of 4 stars; one submission).

Submission:

Labcorp Genetics (formerly Invitae), Labcorp
Classification: Uncertain significance. Last evaluated: 2021-04-25. Review status: criteria provided, single submitter. Criteria: Invitae Variant Classification Sherloc (09022015). Collection method: clinical testing. Allele origin: germline.
Comment: In summary, the available evidence is currently insufficient to determine the role of this variant in disease. Therefore, it has been classified as a Variant of Uncertain Significance. Algorithms developed to predict the effect of missense changes on protein structure and function output the following: SIFT: "Tolerated"; PolyPhen-2: "Benign"; Align-GVGD: "Class C0". The isoleucine amino acid residue is found in multiple mammalian species, suggesting that this missense change does not adversely affect protein function. These predictions have not been confirmed by published functional studies and their clinical significance is uncertain. This variant has not been reported in the literature in individuals with EYS-related conditions. This variant is not present in population databases (ExAC no frequency). This sequence change replaces valine with isoleucine at codon 1184 of the EYS protein (p.Val1184Ile). The valine residue is weakly conserved and there is a small physicochemical difference between valine and isoleucine.

NM_001142800.2(EYS):c.3550G>A (p.Val1184Ile)

Gene: EYS (EGF-like photoreceptor maintenance factor; minus strand). Cytogenetic location: 6q12.
Variant type: single nucleotide variant.
Coding change: c.3550G>A on transcript NM_001142800.2 (MANE Select); coding-DNA position 3550, G replaced by A.
Protein change: p.Val1184Ile; replaces valine 1184 with isoleucine.
Molecular consequence: missense variant.
Genome position (GRCh38, 1-based): chr6:64,626,139, C>T on the plus strand (G>A on the coding strand, the complement: EYS is on the minus strand). VCF-style: chr6-64626139-C-T. GRCh37 (hg19) VCF-style: chr6-65336032-C-T.
Other names: c.3550G>A, p.Val1184Ile (NM_001292009.2); short protein forms V1184I.
Identifiers: ClinVar variation 1017261 (VCV001017261.9), dbSNP rs1767601644, ClinGen allele CA364785293.